The following is an entry in ClinVar:

NM_000334.4(SCN4A):c.1699T>C (p.Phe567Leu)

Gene: SCN4A (sodium voltage-gated channel alpha subunit 4; minus strand). Cytogenetic location: 17q23.3.
Variant type: single nucleotide variant.
Coding change: c.1699T>C on transcript NM_000334.4 (MANE Select); coding-DNA position 1699, T replaced by C.
Protein change: p.Phe567Leu; replaces phenylalanine 567 with leucine.
Molecular consequence: missense variant.
Genome position (GRCh38, 1-based): chr17:63,961,339, A>G on the plus strand (T>C on the coding strand, the complement: SCN4A is on the minus strand). VCF-style: chr17-63961339-A-G. GRCh37 (hg19) VCF-style: chr17-62038699-A-G.
Other names: short protein forms F567L.
Identifiers: ClinVar variation 1046053 (VCV001046053.5), dbSNP rs1909247142, ClinGen allele CA400633547.

ClinVar aggregate classification (germline): Uncertain significance. Review status: criteria provided, multiple submitters, no conflicts (2 of 4 stars). 2 submissions from 2 submitters: Uncertain significance (2). Last evaluated 2024-09-25.

Conditions:
Hyperkalemic periodic paralysis. Also called: Familial hyperkalemic periodic paralysis; Gamstorp disease. Identifiers: Orphanet 682, MedGen C0238357, MONDO:0008224, OMIM 170500, HP:0007215.

Submissions (2):

GeneDx
Classification: Uncertain significance. Last evaluated: 2024-09-25. Review status: criteria provided, single submitter. Criteria: GeneDx Variant Classification Process June 2021. Collection method: clinical testing. Allele origin: germline. Affected: yes.
Comment: Not observed at significant frequency in large population cohorts (gnomAD); In silico analysis indicates that this missense variant does not alter protein structure/function; Has not been previously published as pathogenic or benign to our knowledge

Labcorp Genetics (formerly Invitae), Labcorp
Classification: Uncertain significance for Hyperkalemic periodic paralysis. Last evaluated: 2021-09-01. Review status: criteria provided, single submitter. Criteria: Invitae Variant Classification Sherloc (09022015). Collection method: clinical testing. Allele origin: germline.